The following is an entry in ClinVar:

NM_000097.7(CPOX):c.380G>T (p.Cys127Phe)

Gene: CPOX (coproporphyrinogen oxidase; minus strand). Cytogenetic location: 3q11.2.
Variant type: single nucleotide variant.
Coding change: c.380G>T on transcript NM_000097.7 (MANE Select); coding-DNA position 380, G replaced by T.
Protein change: p.Cys127Phe; replaces cysteine 127 with phenylalanine.
Molecular consequence: missense variant.
Genome position (GRCh38, 1-based): chr3:98,593,125, C>A on the plus strand (G>T on the coding strand, the complement: CPOX is on the minus strand). VCF-style: chr3-98593125-C-A. GRCh37 (hg19) VCF-style: chr3-98311969-C-A.
Other names: short protein forms C127F.
Identifiers: ClinVar variation 3657802 (VCV003657802.2).
Genomic context (GRCh38, chr3:98,593,125, plus strand): 5'-TCGCCCGGCCTCCTTCGCAGCTCGCCCAGGTCGGTCACAGGCGGGGCCATGAAGCTGCTG[C>A]AGCGGTGGGCCAGCTCATCCTCCTCCTCCTCCGGCCTCCCCAGCGAAGTGGCCCGCGTCC-3'
Protein context (NP_000088.3, residues 117-137): EEEEDELAHR[Cys127Phe]SSFMAPPVTD

ClinVar aggregate classification (germline): Uncertain significance (1 of 4 stars; one submission).

Submission:

Labcorp Genetics (formerly Invitae), Labcorp
Classification: Uncertain significance. Last evaluated: 2024-06-25. Review status: criteria provided, single submitter. Criteria: Invitae Variant Classification Sherloc (09022015). Collection method: clinical testing. Allele origin: germline.
Comment: This sequence change replaces cysteine, which is neutral and slightly polar, with phenylalanine, which is neutral and non-polar, at codon 127 of the CPOX protein (p.Cys127Phe). This variant is not present in population databases (gnomAD no frequency). This variant has not been reported in the literature in individuals affected with CPOX-related conditions. Advanced modeling of protein sequence and biophysical properties (such as structural, functional, and spatial information, amino acid conservation, physicochemical variation, residue mobility, and thermodynamic stability) performed at Invitae indicates that this missense variant is not expected to disrupt CPOX protein function with a negative predictive value of 80%. In summary, the available evidence is currently insufficient to determine the role of this variant in disease. Therefore, it has been classified as a Variant of Uncertain Significance.